The following is an entry in ClinVar:

ClinVar aggregate classification (germline): Uncertain significance. Review status: criteria provided, multiple submitters, no conflicts (2 of 4 stars). 2 submissions from 2 submitters: Uncertain significance (2). Last evaluated 2025-05-30.

Submissions (2):

GeneDx
Classification: Uncertain significance. Last evaluated: 2025-05-30. Review status: criteria provided, single submitter. Criteria: GeneDx Variant Classification Process June 2021. Collection method: clinical testing. Allele origin: germline. Affected: yes.
Comment: Not observed at significant frequency in large population cohorts (gnomAD); In silico analysis supports that this missense variant has a deleterious effect on protein structure/function; Has not been previously published as pathogenic or benign to our knowledge

Labcorp Genetics (formerly Invitae), Labcorp
Classification: Uncertain significance. Last evaluated: 2024-08-29. Review status: criteria provided, single submitter. Criteria: Invitae Variant Classification Sherloc (09022015). Collection method: clinical testing. Allele origin: germline.
Comment: This sequence change replaces proline, which is neutral and non-polar, with alanine, which is neutral and non-polar, at codon 1357 of the NLRP1 protein (p.Pro1357Ala). This variant is not present in population databases (gnomAD no frequency). This variant has not been reported in the literature in individuals affected with NLRP1-related conditions. An algorithm developed to predict the effect of missense changes on protein structure and function (PolyPhen-2) suggests that this variant is likely to be tolerated. In summary, the available evidence is currently insufficient to determine the role of this variant in disease. Therefore, it has been classified as a Variant of Uncertain Significance.

NM_033004.4(NLRP1):c.4069C>G (p.Pro1357Ala)

Gene: NLRP1 (NLR family pyrin domain containing 1; minus strand). Cytogenetic location: 17p13.2.
Variant type: single nucleotide variant.
Coding change: c.4069C>G on transcript NM_033004.4 (MANE Select); coding-DNA position 4069, C replaced by G.
Protein change: p.Pro1357Ala; replaces proline 1357 with alanine.
Molecular consequence: missense variant. On other transcripts: intron variant (1).
Genome position (GRCh38, 1-based): chr17:5,515,506, G>C on the plus strand (C>G on the coding strand, the complement: NLRP1 is on the minus strand). VCF-style: chr17-5515506-G-C. GRCh37 (hg19) VCF-style: chr17-5418826-G-C.
Other names: c.3937C>G, p.Pro1313Ala (NM_014922.5); c.3979C>G, p.Pro1327Ala (NM_033006.4); c.3847C>G, p.Pro1283Ala (NM_033007.4); c.4069+2240C>G (NM_001033053.3); c.4069C>G (NM_033004.3); short protein forms P1283A, P1313A, P1327A, P1357A.
Identifiers: ClinVar variation 3663972 (VCV003663972.3).